The following is an entry in ClinVar:

ClinVar aggregate classification (germline): Likely pathogenic (1 of 4 stars; one submission).

Conditions:
Charcot-Marie-Tooth disease type 4. Also called: Charcot-Marie-Tooth disease, type IV; Charcot-Marie-Tooth, Type 4. Identifiers: Orphanet 64749, MedGen C4082197, MONDO:0018995.

gnomAD v4.1: 1 of 1,071,068 alleles (0.000093%); highest among the groups gnomAD compares: Non-Finnish European, 0.00013%; no homozygotes.

Submission:

Labcorp Genetics (formerly Invitae), Labcorp
Classification: Likely pathogenic for Charcot-Marie-Tooth disease type 4. Last evaluated: 2019-04-17. Review status: criteria provided, single submitter. Criteria: Invitae Variant Classification Sherloc (09022015). Collection method: clinical testing. Allele origin: germline.
Comment: In summary, the currently available evidence indicates that the variant is pathogenic, but additional data are needed to prove that conclusively. Therefore, this variant has been classified as Likely Pathogenic. Donor and acceptor splice site variants typically lead to a loss of protein function (PMID: 16199547), and loss-of-function variants in FIG4 are known to be pathogenic (PMID: 23623387). Algorithms developed to predict the effect of sequence changes on RNA splicing suggest that this variant may disrupt the consensus splice site, but this prediction has not been confirmed by published transcriptional studies. This variant has not been reported in the literature in individuals with FIG4-related conditions. This variant is not present in population databases (ExAC no frequency). This sequence change affects an acceptor splice site in intron 4 of the FIG4 gene. It is expected to disrupt RNA splicing and likely results in an absent or disrupted protein product.

Literature cited by the submitters: PubMed 16199547; PubMed 23623387.

NM_014845.6(FIG4):c.447-2A>C

Gene: FIG4 (FIG4 phosphoinositide 5-phosphatase; plus strand). Cytogenetic location: 6q21.
Variant type: single nucleotide variant.
Coding change: c.447-2A>C on transcript NM_014845.6 (MANE Select); the canonical splice acceptor site of the intron before coding-DNA position 447, A replaced by C.
Molecular consequence: splice acceptor variant.
Genome position (GRCh38, 1-based): chr6:109,732,635, A>C. VCF-style: chr6-109732635-A-C. GRCh37 (hg19) VCF-style: chr6-110053838-A-C.
Identifiers: ClinVar variation 839709 (VCV000839709.8), dbSNP rs866895236, ClinGen allele CA365218271.